The following is an entry in ClinVar:

ClinVar aggregate classification (germline): Benign. Review status: criteria provided, multiple submitters, no conflicts (2 of 4 stars). 19 submissions from 17 submitters: Benign (17). 2 of the submissions do not count toward it. Last evaluated 2026-02-04.

Conditions:
Ehlers-Danlos syndrome (EDS). Identifiers: Orphanet 98249, MedGen C0013720, MONDO:0020066.
Familial thoracic aortic aneurysm and aortic dissection (TAAD). Also called: Thoracic aortic aneurysms and dissections. Identifiers: Orphanet 91387, MedGen C4707243, MONDO:0019625.
Congenital contractural arachnodactyly (CCA). Also called: Arthrogryposis, distal, type 9; Beals-Hecht syndrome; BEALS SYNDROME. Identifiers: Orphanet 115, MedGen C0220668, MONDO:0007363, OMIM 121050.
Connective tissue disorder. Also called: Connective tissue disease. Identifiers: MedGen C0009782, MONDO:0003900.
Macular degeneration, early-onset (EOMD). Identifiers: MedGen C4015286, MONDO:0014501, OMIM 616118.

Allele frequency attached by ClinVar (database versions not stated): gnomAD 0.68054 and 0.68588; TOPMed 0.68518; gnomAD exomes 0.69475 and 0.72831; ExAC 0.72339; 1000 Genomes Project 30x 0.72502; 1000 Genomes Project 0.73103.
gnomAD v4.1: 1,119,671 of 1,613,198 alleles (69%); highest among the groups gnomAD compares: East Asian, 92%; 390,972 homozygotes.

Submissions (19):

Labcorp Genetics (formerly Invitae), Labcorp
Classification: Benign for Congenital contractural arachnodactyly. Last evaluated: 2026-02-04. Review status: criteria provided, single submitter. Criteria: Invitae Variant Classification Sherloc (09022015). Collection method: clinical testing. Allele origin: germline.

ARUP Laboratories, Molecular Genetics and Genomics, ARUP Laboratories
Classification: Benign. Last evaluated: 2025-07-29. Review status: criteria provided, single submitter. Criteria: ARUP Molecular Germline Variant Investigation Process 2024. Collection method: clinical testing. Allele origin: germline.

Blueprint Genetics
Classification: Benign. Last evaluated: 2024-11-26. Review status: criteria provided, single submitter. Criteria: ACMG Guidelines, 2015. Collection method: clinical testing. Allele origin: germline.

Genome Diagnostics Laboratory, The Hospital for Sick Children
Classification: Benign for Connective tissue disorder. Last evaluated: 2022-07-18. Review status: criteria provided, single submitter. Criteria: ACMG Guidelines, 2015. Collection method: clinical testing. Allele origin: germline.

Genome Diagnostics Laboratory, The Hospital for Sick Children
Classification: Benign for Ehlers-Danlos syndrome. Last evaluated: 2022-07-16. Review status: criteria provided, single submitter. Criteria: ACMG Guidelines, 2015. Collection method: clinical testing. Allele origin: germline.

Fulgent Genetics
Classification: Benign for Congenital contractural arachnodactyly; Macular degeneration, early-onset. Last evaluated: 2021-08-11. Review status: criteria provided, single submitter. Criteria: ACMG Guidelines, 2015. Collection method: clinical testing. Allele origin: unknown.

Genome-Nilou Lab
Classification: Benign for Congenital contractural arachnodactyly. Last evaluated: 2021-08-10. Review status: criteria provided, single submitter. Criteria: ACMG Guidelines, 2015. Collection method: clinical testing. Allele origin: germline. Affected: no.

Genome-Nilou Lab
Classification: Benign for Macular degeneration, early-onset. Last evaluated: 2021-08-10. Review status: criteria provided, single submitter. Criteria: ACMG Guidelines, 2015. Collection method: clinical testing. Allele origin: germline. Affected: no.

Illumina Laboratory Services, Illumina
Classification: Benign for Congenital contractural arachnodactyly. Last evaluated: 2018-01-13. Review status: criteria provided, single submitter. Criteria: ICSL Variant Classification Criteria 13 December 2019. Collection method: clinical testing. Allele origin: germline.
Comment: This variant was observed in the ICSL laboratory as part of a predisposition screen in an ostensibly healthy population. It had not been previously curated by ICSL or reported in the Human Gene Mutation Database (HGMD: prior to June 1st, 2018), and was therefore a candidate for classification through an automated scoring system. Utilizing variant allele frequency, disease prevalence and penetrance estimates, and inheritance mode, an automated score was calculated to assess if this variant is too frequent to cause the disease. Based on the score and internal cut-off values, a variant classified as benign is not then subjected to further curation. The score for this variant resulted in a classification of benign for this disease.

Clinical Genetics DNA and cytogenetics Diagnostics Lab, Erasmus MC, Erasmus Medical Center
Classification: Benign for Congenital contractural arachnodactyly. Last evaluated: 2017-05-31. Review status: criteria provided, single submitter. Criteria: ACGS Guidelines, 2013. Collection method: clinical testing. Allele origin: germline. Affected: yes. Study: VKGL Data-share Consensus.

Women's Health and Genetics/Laboratory Corporation of America, LabCorp
Classification: Benign. Last evaluated: 2017-03-22. Review status: criteria provided, single submitter. Criteria: LabCorp Variant Classification Summary - May 2015. Collection method: clinical testing. Allele origin: germline.
Comment: Variant summary: The FBN2 c.2893G>A (p.Val965Ile) variant causes a missense change involving the alteration of a conserved nucleotide that 4/4 in silico tools (Mutation Taster not captured here due to low p-value) predict a benign outcome. The variant of interest was observed in the large, broad control population, ExAC, with an allele frequency of 0.7233944 (87496/120952 (32094 homozygotes)), therefore, suggesting that the A allele is the major allele, the allele most commonly observed in the general population. In addition, multiple clinical diagnostic laboratories/reputable databases classified this variant as benign. Taken together, this variant is classified as benign.

Laboratory for Molecular Medicine, Mass General Brigham Personalized Medicine
Classification: Benign. Last evaluated: 2014-12-02. Review status: criteria provided, single submitter. Criteria: LMM Criteria. Collection method: clinical testing. Allele origin: germline. Inheritance: Autosomal dominant inheritance. Observed: 18 variant alleles.
Comment: This is a RefSeq error. The reference base (c.2893G) is the minor allele. This a llele (G) has been identified in 32% (2754/8600) of European American chromosome s and 37% (1640/4406) of African American chromosomes by the NHLBI Exome Sequenc ing Project (dbSNP rs154001) and thus meets c riteria to be classified as benign.

Ambry Genetics
Classification: Benign for Familial thoracic aortic aneurysm and aortic dissection. Last evaluated: 2014-11-19. Review status: criteria provided, single submitter. Criteria: Ambry Variant Classification Scheme 2023. Collection method: clinical testing. Allele origin: germline.

Mayo Clinic Laboratories, Mayo Clinic
Classification: Benign. Last evaluated: 2014-02-13. Review status: criteria provided, single submitter. Criteria: ACMG Guidelines, 2015. Collection method: clinical testing. Allele origin: germline. Observed: 1,321 variant alleles.

Genetic Services Laboratory, University of Chicago
Classification: Benign for AllHighlyPenetrant. Last evaluated: 2013-08-15. Review status: criteria provided, single submitter. Criteria: ACMG Guidelines, 2007. Collection method: clinical testing. Allele origin: germline. Inheritance: Autosomal dominant inheritance.

GeneDx
Classification: Benign. Last evaluated: 2012-11-13. Review status: criteria provided, single submitter. Criteria: GeneDx Variant Classification (06012015). Collection method: clinical testing. Allele origin: germline. Affected: yes.
Comment: This variant is considered likely benign or benign based on one or more of the following criteria: it is a conservative change, it occurs at a poorly conserved position in the protein, it is predicted to be benign by multiple in silico algorithms, and/or has population frequency not consistent with disease.

PreventionGenetics, part of Exact Sciences
Classification: Benign. Review status: criteria provided, single submitter. Criteria: ACMG Guidelines, 2015. Collection method: clinical testing. Allele origin: germline.

Genome Diagnostics Laboratory, Amsterdam University Medical Center
Classification: Benign for Congenital contractural arachnodactyly. Last evaluated: 2014-02-04. Review status: no assertion criteria provided. Criteria: ACGS Guidelines, 2013. Collection method: clinical testing. Allele origin: germline. Affected: yes. Study: VKGL Data-share Consensus. Not counted in ClinVar's aggregate classification.

Diagnostic Laboratory, Department of Genetics, University Medical Center Groningen
Classification: Benign for Congenital contractural arachnodactyly. Review status: no assertion criteria provided. Collection method: clinical testing. Allele origin: germline. Affected: yes. Study: VKGL Data-share Consensus. Not counted in ClinVar's aggregate classification.

Literature cited by the submitters: PubMed 23148498 (cited by Women's Health and Genetics/Laboratory Corporation of America, LabCorp); PubMed 17345643 (cited by Women's Health and Genetics/Laboratory Corporation of America, LabCorp).

NM_001999.4(FBN2):c.2893G>A (p.Val965Ile)

Gene: FBN2 (fibrillin 2; minus strand). Cytogenetic location: 5q23.3.
Variant type: single nucleotide variant.
Coding change: c.2893G>A on transcript NM_001999.4 (MANE Select); coding-DNA position 2893, G replaced by A.
Protein change: p.Val965Ile; replaces valine 965 with isoleucine.
Molecular consequence: missense variant.
Genome position (GRCh38, 1-based): chr5:128,349,443, C>T on the plus strand (G>A on the coding strand, the complement: FBN2 is on the minus strand). VCF-style: chr5-128349443-C-T. GRCh37 (hg19) VCF-style: chr5-127685135-C-T.
Other names: p.V965I:GTT>ATT; short protein forms V965I.
Identifiers: ClinVar variation 129039 (VCV000129039.48), dbSNP rs154001, ClinGen allele CA288818.